The following is an entry in ClinVar:

NM_172351.3(CD46):c.456dup (p.Lys153Ter)

Gene: CD46 (CD46 molecule; plus strand). Cytogenetic location: 1q32.2.
Variant type: Duplication.
Coding change: c.456dup on transcript NM_172351.3 (MANE Select); coding-DNA position 456, one base duplicated (T; older notation c.456dupT).
Protein change: p.Lys153Ter; replaces lysine 153 with a stop codon.
Molecular consequence: nonsense.
Genome position (GRCh38, 1-based): chr1:207,759,705, T duplicated. VCF-style (leftmost placement, unchanged base first): chr1-207759704-G-GT. GRCh37 (hg19) VCF-style: chr1-207933049-G-GT.
Other names: c.456dup, p.Lys153Ter (NM_002389.4, NM_153826.4, NM_172350.3 and 8 more transcripts); short protein forms K153*.
Identifiers: ClinVar variation 3621483 (VCV003621483.2).

ClinVar aggregate classification (germline): Pathogenic (1 of 4 stars; one submission).

Submission:

Labcorp Genetics (formerly Invitae), Labcorp
Classification: Pathogenic. Last evaluated: 2024-06-20. Review status: criteria provided, single submitter. Criteria: Invitae Variant Classification Sherloc (09022015). Collection method: clinical testing. Allele origin: germline.
Comment: This sequence change creates a premature translational stop signal (p.Lys153*) in the CD46 gene. It is expected to result in an absent or disrupted protein product. Loss-of-function variants in CD46 are known to be pathogenic (PMID: 16621965, 23431077). This variant is not present in population databases (gnomAD no frequency). This variant has not been reported in the literature in individuals affected with CD46-related conditions. For these reasons, this variant has been classified as Pathogenic.

Literature cited by the submitters: PubMed 16621965; PubMed 23431077.